The following is an entry in ClinVar:

ClinVar aggregate classification (germline): Uncertain significance. Review status: criteria provided, multiple submitters, no conflicts (2 of 4 stars). 4 submissions from 4 submitters: Uncertain significance (4). Last evaluated 2026-09-01.

Allele frequency attached by ClinVar (database versions not stated): TOPMed below 0.00001.
gnomAD v4.1: 8 of 1,211,475 alleles (0.00066%); highest among the groups gnomAD compares: Non-Finnish European, 0.00089%; no homozygotes.

Submissions (4):

CeGaT Center for Human Genetics Tuebingen
Classification: Uncertain significance. Last evaluated: 2026-09-01. Review status: criteria provided, single submitter. Criteria: CeGaT Center For Human Genetics Tuebingen Variant Classification Criteria Version 2. Collection method: clinical testing. Allele origin: germline. Affected: yes. Observed: 2 variant alleles.

Labcorp Genetics (formerly Invitae), Labcorp
Classification: Uncertain significance. Last evaluated: 2026-01-09. Review status: criteria provided, single submitter. Criteria: Invitae Variant Classification Sherloc (09022015). Collection method: clinical testing. Allele origin: germline.
Comment: This sequence change replaces asparagine, which is neutral and polar, with serine, which is neutral and polar, at codon 340 of the IL1RAPL1 protein (p.Asn340Ser). This variant is not present in population databases (gnomAD no frequency). This variant has not been reported in the literature in individuals affected with IL1RAPL1-related conditions. ClinVar contains an entry for this variant (Variation ID: 1900718). An algorithm developed to predict the effect of missense changes on protein structure and function (PolyPhen-2) suggests that this variant is likely to be tolerated. In summary, the available evidence is currently insufficient to determine the role of this variant in disease. Therefore, it has been classified as a Variant of Uncertain Significance.

Women's Health and Genetics/Laboratory Corporation of America, LabCorp
Classification: Uncertain significance. Last evaluated: 2024-02-22. Review status: criteria provided, single submitter. Criteria: LabCorp Variant Classification Summary - May 2015. Collection method: clinical testing. Allele origin: germline.
Comment: Variant summary: IL1RAPL1 c.1019A>G (p.Asn340Ser) results in a conservative amino acid change in the encoded protein sequence. Four of five in-silico tools predict a benign effect of the variant on protein function. The variant allele was found at a frequency of 5.5e-06 in 183399 control chromosomes (gnomAD). The available data on variant occurrences in the general population are insufficient to allow any conclusion about variant significance. To our knowledge, no occurrence of c.1019A>G in individuals affected with Intellectual disability, X-linked 21 and no experimental evidence demonstrating its impact on protein function have been reported. ClinVar contains an entry for this variant (Variation ID: 1900718). Based on the evidence outlined above, the variant was classified as uncertain significance.

Clinical Genetics Laboratory, Skane University Hospital Lund
Classification: Uncertain significance. Last evaluated: 2023-05-15. Review status: criteria provided, single submitter. Criteria: ACMG Guidelines, 2015. Collection method: clinical testing. Allele origin: germline. Affected: yes.

NM_014271.4(IL1RAPL1):c.1019A>G (p.Asn340Ser)

Gene: IL1RAPL1 (interleukin 1 receptor accessory protein like 1; plus strand). Cytogenetic location: Xp21.2.
Variant type: single nucleotide variant.
Coding change: c.1019A>G on transcript NM_014271.4 (MANE Select); coding-DNA position 1019, A replaced by G.
Protein change: p.Asn340Ser; replaces asparagine 340 with serine.
Molecular consequence: missense variant.
Genome position (GRCh38, 1-based): chrX:29,920,056, A>G. VCF-style: chrX-29920056-A-G. GRCh37 (hg19) VCF-style: chrX-29938173-A-G.
Other names: short protein forms N340S.
Identifiers: ClinVar variation 1900718 (VCV001900718.18), dbSNP rs1569203664, ClinGen allele CA412636310.